The following is an entry in ClinVar:

ClinVar aggregate classification (germline): Uncertain significance (1 of 4 stars; one submission).

Allele frequency attached by ClinVar (database versions not stated): ExAC 0.00001; gnomAD exomes 0.00001.
gnomAD v4.1: 3 of 1,614,242 alleles (0.00019%); highest among the groups gnomAD compares: Admixed American, 0.005%; no homozygotes.

Submission:

Labcorp Genetics (formerly Invitae), Labcorp
Classification: Uncertain significance. Last evaluated: 2022-03-20. Review status: criteria provided, single submitter. Criteria: Invitae Variant Classification Sherloc (09022015). Collection method: clinical testing. Allele origin: germline.
Comment: This sequence change replaces histidine, which is basic and polar, with glutamine, which is neutral and polar, at codon 874 of the CUL7 protein (p.His874Gln). This variant is present in population databases (rs773020698, gnomAD 0.006%). This variant has not been reported in the literature in individuals affected with CUL7-related conditions. Algorithms developed to predict the effect of missense changes on protein structure and function are either unavailable or do not agree on the potential impact of this missense change (SIFT: "Deleterious"; PolyPhen-2: "Probably Damaging"; Align-GVGD: "Class C0"). In summary, the available evidence is currently insufficient to determine the role of this variant in disease. Therefore, it has been classified as a Variant of Uncertain Significance.

NM_014780.5(CUL7):c.2622C>G (p.His874Gln)

Gene: CUL7 (cullin 7; minus strand). Cytogenetic location: 6p21.1.
Variant type: single nucleotide variant.
Coding change: c.2622C>G on transcript NM_014780.5 (MANE Select); coding-DNA position 2622, C replaced by G.
Protein change: p.His874Gln; replaces histidine 874 with glutamine.
Molecular consequence: missense variant.
Genome position (GRCh38, 1-based): chr6:43,046,274, G>C on the plus strand (C>G on the coding strand, the complement: CUL7 is on the minus strand). VCF-style: chr6-43046274-G-C. GRCh37 (hg19) VCF-style: chr6-43014012-G-C.
Other names: c.2718C>G, p.His906Gln (NM_001168370.2, NM_001374872.1); c.2622C>G, p.His874Gln (NM_001374873.1, NM_001374874.1); short protein forms H874Q, H906Q.
Identifiers: ClinVar variation 1983782 (VCV001983782.1), dbSNP rs773020698, ClinGen allele CA3813784.
Genomic context (GRCh38, chr6:43,046,274, plus strand): 5'-AGCACATGTGTGGGAGAGTTACCTGATGAGGATGCCCCGGCGCATGTGCAGGGTGATGTA[G>C]TGGGAGCCGGCGCTGCCGTTGGACTCCCAATAGGTCTTGGGGTTGTGGTCCGTCAGCTTG-3'
Protein context (NP_055595.2, residues 864-884): YWESNGSAGS[His874Gln]YITLHMRRGI